The following is an entry in ClinVar:

NM_021942.6(TRAPPC11):c.1277T>C (p.Val426Ala)

Gene: TRAPPC11 (trafficking protein particle complex subunit 11; plus strand). Cytogenetic location: 4q35.1.
Variant type: single nucleotide variant.
Coding change: c.1277T>C on transcript NM_021942.6 (MANE Select); coding-DNA position 1277, T replaced by C.
Protein change: p.Val426Ala; replaces valine 426 with alanine.
Molecular consequence: missense variant.
Genome position (GRCh38, 1-based): chr4:183,684,044, T>C. VCF-style: chr4-183684044-T-C. GRCh37 (hg19) VCF-style: chr4-184605197-T-C.
Other names: c.1277T>C, p.Val426Ala (NM_199053.3); short protein forms V426A.
Identifiers: ClinVar variation 574490 (VCV000574490.11), dbSNP rs201263451, ClinGen allele CA3151859.

ClinVar aggregate classification (germline): Uncertain significance. Review status: criteria provided, multiple submitters, no conflicts (2 of 4 stars). 3 submissions from 3 submitters: Uncertain significance (3). Last evaluated 2026-08-06.

Conditions:
Autosomal recessive limb-girdle muscular dystrophy type R18 (LGMDR18). Also called: MUSCULAR DYSTROPHY, LIMB-GIRDLE, AUTOSOMAL RECESSIVE 18; Autosomal recessive limb-girdle muscular dystrophy type 2S; Limb-girdle muscular dystrophy, type 2S. Identifiers: Orphanet 369840, MedGen C4517996, MONDO:0014144, OMIM 615356.

Allele frequency attached by ClinVar (database versions not stated): ESP Exome Variant Server 0.00008; gnomAD exomes 0.00008 and 0.00011; TOPMed 0.00009; ExAC 0.00013; gnomAD 0.00009.
gnomAD v4.1: 127 of 1,613,866 alleles (0.0079%); highest among the groups gnomAD compares: Middle Eastern, 0.016%; no homozygotes.

Submissions (3):

GeneDx
Classification: Uncertain significance. Last evaluated: 2026-08-06. Review status: criteria provided, single submitter. Criteria: GeneDx Variant Classification Process June 2021. Collection method: clinical testing. Allele origin: germline.
Comment: In silico analysis suggests that this missense variant does not alter protein structure/function; Has not been previously published as pathogenic or benign to our knowledge

Revvity Omics, Revvity
Classification: Uncertain significance for Autosomal recessive limb-girdle muscular dystrophy type R18. Last evaluated: 2024-12-26. Review status: criteria provided, single submitter. Criteria: ACMG Guidelines, 2015. Collection method: clinical testing. Allele origin: germline.

Labcorp Genetics (formerly Invitae), Labcorp
Classification: Uncertain significance for Autosomal recessive limb-girdle muscular dystrophy type R18. Last evaluated: 2022-09-10. Review status: criteria provided, single submitter. Criteria: Invitae Variant Classification Sherloc (09022015). Collection method: clinical testing. Allele origin: germline.
Comment: This sequence change replaces valine, which is neutral and non-polar, with alanine, which is neutral and non-polar, at codon 426 of the TRAPPC11 protein (p.Val426Ala). This variant is present in population databases (rs201263451, gnomAD 0.02%). This variant has not been reported in the literature in individuals affected with TRAPPC11-related conditions. ClinVar contains an entry for this variant (Variation ID: 574490). Advanced modeling of protein sequence and biophysical properties (such as structural, functional, and spatial information, amino acid conservation, physicochemical variation, residue mobility, and thermodynamic stability) performed at Invitae indicates that this missense variant is expected to disrupt TRAPPC11 protein function. In summary, the available evidence is currently insufficient to determine the role of this variant in disease. Therefore, it has been classified as a Variant of Uncertain Significance.